The following is an entry in ClinVar:

ClinVar aggregate classification (germline): Benign. Review status: criteria provided, multiple submitters, no conflicts (2 of 4 stars). 7 submissions from 7 submitters: Benign (7). Last evaluated 2026-02-04.

Allele frequency attached by ClinVar (database versions not stated): ExAC 0.04861; 1000 Genomes Project 30x 0.06043; TOPMed 0.06231; gnomAD 0.06258 and 0.05994; 1000 Genomes Project 0.05970; gnomAD exomes 0.03596.
gnomAD v4.1: 55,313 of 1,534,700 alleles (3.6%); highest among the groups gnomAD compares: African/African-American, 14%; 1,554 homozygotes.

Submissions (7):

Labcorp Genetics (formerly Invitae), Labcorp
Classification: Benign. Last evaluated: 2026-02-04. Review status: criteria provided, single submitter. Criteria: Invitae Variant Classification Sherloc (09022015). Collection method: clinical testing. Allele origin: germline.

Mayo Clinic Laboratories, Mayo Clinic
Classification: Benign. Last evaluated: 2020-10-02. Review status: criteria provided, single submitter. Criteria: ACMG Guidelines, 2015. Collection method: clinical testing. Allele origin: germline. Observed: 9 variant alleles.

GeneDx
Classification: Benign. Last evaluated: 2018-06-02. Review status: criteria provided, single submitter. Criteria: GeneDx Variant Classification (06012015). Collection method: clinical testing. Allele origin: germline. Affected: yes.
Comment: This variant is considered likely benign or benign based on one or more of the following criteria: it is a conservative change, it occurs at a poorly conserved position in the protein, it is predicted to be benign by multiple in silico algorithms, and/or has population frequency not consistent with disease.

Athena Diagnostics
Classification: Benign. Last evaluated: 2018-05-24. Review status: criteria provided, single submitter. Criteria: Athena Diagnostics Criteria. Collection method: clinical testing. Allele origin: germline.

Laboratory for Molecular Medicine, Mass General Brigham Personalized Medicine
Classification: Benign. Last evaluated: 2012-05-07. Review status: criteria provided, single submitter. Criteria: LMM Criteria. Collection method: clinical testing. Allele origin: germline. Observed: 33 variant alleles.
Comment: "Pro683Pro in Exon 15 of PDZD7: This variant is not expected to have clinical si gnificance because it does not alter an amino acid residue, is not located withi n the splice consensus sequence, and has been identified in 12.7% (15/118) of ch romosomes from a population in the dbSNP database (rojects/SNP; rs34693310)."

Breakthrough Genomics
Classification: Benign. Review status: criteria provided, single submitter. Criteria: ACMG Guidelines, 2015. Collection method: not provided. Allele origin: germline. Inheritance: Autosomal recessive inheritance. Affected: yes.

PreventionGenetics, part of Exact Sciences
Classification: Benign. Review status: criteria provided, single submitter. Criteria: ACMG Guidelines, 2015. Collection method: clinical testing. Allele origin: germline.

NM_001195263.2(PDZD7):c.2049G>A (p.Pro683=)

Gene: PDZD7 (PDZ domain containing 7; minus strand). Cytogenetic location: 10q24.31.
Variant type: single nucleotide variant.
Coding change: c.2049G>A on transcript NM_001195263.2 (MANE Select); coding-DNA position 2049, G replaced by A.
Protein change: p.Pro683=; no amino-acid change (proline 683 retained).
Molecular consequence: synonymous variant.
Genome position (GRCh38, 1-based): chr10:101,010,840, C>T on the plus strand (G>A on the coding strand, the complement: PDZD7 is on the minus strand). VCF-style: chr10-101010840-C-T. GRCh37 (hg19) VCF-style: chr10-102770597-C-T.
Other names: p.Pro683=.
Identifiers: ClinVar variation 44120 (VCV000044120.17), dbSNP rs34693310, ClinGen allele CA133620.